The following is an entry in ClinVar:

ClinVar aggregate classification (germline): Conflicting classifications of pathogenicity. Review status: criteria provided, conflicting classifications (1 of 4 stars). 3 submissions from 3 submitters: Uncertain significance (2); Likely benign (1). Last evaluated 2026-01-26.

Conditions:
Inborn genetic diseases. Identifiers: MedGen C0950123, MeSH D030342.
Fanconi anemia (FA). Also called: Fanconi's anemia. Identifiers: Orphanet 84, MedGen C0015625, MeSH D005199, MONDO:0019391.
Fanconi anemia complementation group F. Also called: FANCF-Related Fanconi Anemia. Identifiers: Orphanet 84, MedGen C3469526, MONDO:0011325, OMIM 603467.

Allele frequency attached by ClinVar (database versions not stated): gnomAD exomes 0.00004; ExAC 0.00005; gnomAD 0.00039; TOPMed 0.00094; 1000 Genomes Project 0.00120; 1000 Genomes Project 30x 0.00156.

Submissions (3):

Labcorp Genetics (formerly Invitae), Labcorp
Classification: Uncertain significance for Fanconi anemia. Last evaluated: 2026-01-26. Review status: criteria provided, single submitter. Criteria: Invitae Variant Classification Sherloc (09022015). Collection method: clinical testing. Allele origin: germline.
Comment: This sequence change replaces proline, which is neutral and non-polar, with serine, which is neutral and polar, at codon 213 of the FANCF protein (p.Pro213Ser). This variant is present in population databases (rs201382399, gnomAD 0.03%). This variant has not been reported in the literature in individuals affected with FANCF-related conditions. ClinVar contains an entry for this variant (Variation ID: 659459). Invitae Evidence Modeling of protein sequence and biophysical properties (such as structural, functional, and spatial information, amino acid conservation, physicochemical variation, residue mobility, and thermodynamic stability) indicates that this missense variant is not expected to disrupt FANCF protein function with a negative predictive value of 80%. In summary, the available evidence is currently insufficient to determine the role of this variant in disease. Therefore, it has been classified as a Variant of Uncertain Significance.

Ambry Genetics
Classification: Uncertain significance for Inborn genetic diseases. Last evaluated: 2025-08-04. Review status: criteria provided, single submitter. Criteria: Ambry Variant Classification Scheme 2023. Collection method: clinical testing. Allele origin: germline.

Fulgent Genetics
Classification: Likely benign for Fanconi anemia complementation group F. Last evaluated: 2024-04-17. Review status: criteria provided, single submitter. Criteria: ACMG Guidelines, 2015. Collection method: clinical testing. Allele origin: germline.

NM_022725.4(FANCF):c.637C>T (p.Pro213Ser)

Gene: FANCF (FA complementation group F; minus strand). Cytogenetic location: 11p14.3.
Variant type: single nucleotide variant.
Coding change: c.637C>T on transcript NM_022725.4 (MANE Select); coding-DNA position 637, C replaced by T.
Protein change: p.Pro213Ser; replaces proline 213 with serine.
Molecular consequence: missense variant.
Genome position (GRCh38, 1-based): chr11:22,625,174, G>A on the plus strand (C>T on the coding strand, the complement: FANCF is on the minus strand). VCF-style: chr11-22625174-G-A. GRCh37 (hg19) VCF-style: chr11-22646720-G-A.
Other names: short protein forms P213S.
Identifiers: ClinVar variation 659459 (VCV000659459.11), dbSNP rs201382399, ClinGen allele CA5924294.